The following is an entry in ClinVar:

NM_015404.4(WHRN):c.955G>T (p.Gly319Trp)

Gene: WHRN (whirlin; minus strand). Cytogenetic location: 9q32.
Variant type: single nucleotide variant.
Coding change: c.955G>T on transcript NM_015404.4 (MANE Select); coding-DNA position 955, G replaced by T.
Protein change: p.Gly319Trp; replaces glycine 319 with tryptophan.
Molecular consequence: missense variant. On other transcripts: 5 prime UTR variant (1).
Genome position (GRCh38, 1-based): chr9:114,466,275, C>A on the plus strand (G>T on the coding strand, the complement: WHRN is on the minus strand). VCF-style: chr9-114466275-C-A. GRCh37 (hg19) VCF-style: chr9-117228555-C-A.
Other names: c.-195G>T (NM_001083885.3); c.955G>T, p.Gly319Trp (NM_001173425.2); short protein forms G319W.
Identifiers: ClinVar variation 178338 (VCV000178338.16), dbSNP rs143165834, ClinGen allele CA182136.

ClinVar aggregate classification (germline): Uncertain significance. Review status: criteria provided, multiple submitters, no conflicts (2 of 4 stars). 5 submissions from 4 submitters: Uncertain significance (5). Last evaluated 2025-03-17.

Conditions:
Autosomal recessive nonsyndromic hearing loss 31. Also called: WHIRLER, MOUSE, HOMOLOG OF. Identifiers: Orphanet 90636, MedGen C1846839, MONDO:0011767, OMIM 607084.
Usher syndrome type 2D. Also called: USHER SYNDROME, TYPE IID. Identifiers: Orphanet 231178, Orphanet 886, MedGen C1568249, MONDO:0012662, OMIM 611383.

Allele frequency attached by ClinVar (database versions not stated): ESP Exome Variant Server 0.00023.
gnomAD v4.1: 293 of 1,613,918 alleles (0.018%); highest among the groups gnomAD compares: Admixed American, 0.055%; no homozygotes.

Submissions (5):

Labcorp Genetics (formerly Invitae), Labcorp
Classification: Uncertain significance. Last evaluated: 2025-03-17. Review status: criteria provided, single submitter. Criteria: Invitae Variant Classification Sherloc (09022015). Collection method: clinical testing. Allele origin: germline.
Comment: This sequence change replaces glycine, which is neutral and non-polar, with tryptophan, which is neutral and slightly polar, at codon 319 of the WHRN protein (p.Gly319Trp). This variant is present in population databases (rs143165834, gnomAD 0.05%). This variant has not been reported in the literature in individuals affected with WHRN-related conditions. ClinVar contains an entry for this variant (Variation ID: 178338). An algorithm developed to predict the effect of missense changes on protein structure and function (PolyPhen-2) suggests that this variant is likely to be disruptive. In summary, the available evidence is currently insufficient to determine the role of this variant in disease. Therefore, it has been classified as a Variant of Uncertain Significance.

Blueprint Genetics
Classification: Uncertain significance. Last evaluated: 2024-11-12. Review status: criteria provided, single submitter. Criteria: ACMG Guidelines, 2015. Collection method: clinical testing. Allele origin: germline.

Laboratory for Molecular Medicine, Mass General Brigham Personalized Medicine
Classification: Uncertain significance. Last evaluated: 2018-05-25. Review status: criteria provided, single submitter. Criteria: LMM Criteria. Collection method: clinical testing. Allele origin: germline. Observed: 2 variant alleles.
Comment: This variant has been identified in 0.05% (18/34420) of Latino chromosomes by the Genome Aggregation Database (g nomAD; dbSNP rs143165834). Although this varia nt has been seen in the general population, its frequency is not high enough to rule out a pathogenic role. Computational prediction tools and conservation anal ysis suggest that the p.Gly319Trp variant may impact the protein, though this in formation is not predictive enough to determine pathogenicity. In summary, the c linical significance of the p.Gly319Trp variant is uncertain. ACMG/AMP Criteria applied: PM2_Supporting, PP3.

Illumina Laboratory Services, Illumina
Classification: Uncertain significance for Autosomal recessive nonsyndromic hearing loss 31. Last evaluated: 2018-01-12. Review status: criteria provided, single submitter. Criteria: ICSL Variant Classification Criteria 13 December 2019. Collection method: clinical testing. Allele origin: germline.

Illumina Laboratory Services, Illumina
Classification: Uncertain significance for Usher syndrome type 2D. Last evaluated: 2018-01-12. Review status: criteria provided, single submitter. Criteria: ICSL Variant Classification Criteria 13 December 2019. Collection method: clinical testing. Allele origin: germline.

Literature cited by the submitters: PubMed 25468891 (cited by Laboratory for Molecular Medicine, Mass General Brigham Personalized Medicine).